The following is an entry in ClinVar:

NC_000023.10:g.(?_31792057)_(31792329_?)del

Gene: DMD (dystrophin; minus strand). Cytogenetic location: Xp21.1.
Variant type: Deletion.
Identifiers: ClinVar variation 1455772 (VCV001455772.6).

ClinVar aggregate classification (germline): Pathogenic (1 of 4 stars; one submission).

Conditions:
Duchenne muscular dystrophy (DMD). Also called: Duchenne Muscular Dystrophy (DMD); MUSCULAR DYSTROPHY, PSEUDOHYPERTROPHIC PROGRESSIVE, DUCHENNE TYPE. Identifiers: Orphanet 98896, MedGen C0013264, MONDO:0010679, OMIM 310200.

Submission:

Labcorp Genetics (formerly Invitae), Labcorp
Classification: Pathogenic for Duchenne muscular dystrophy. Last evaluated: 2024-01-08. Review status: criteria provided, single submitter. Criteria: Invitae Variant Classification Sherloc (09022015). Collection method: clinical testing. Allele origin: germline.
Comment: This variant is a gross deletion of the genomic region encompassing exon(s) 51 of the DMD gene. This deletion is out-of-frame, and is expected to create a premature termination codon and result in an absent or disrupted protein product. Loss-of-function variants in DMD are known to be pathogenic (PMID: 16770791, 25007885). A similar copy number variant has been observed in individuals with Duchenne or Becker muscular dystrophy (PMID: 9007319, 9028449, 18683213, 18752307, 19449031, 22090376, 25244321, 26911353). For these reasons, this variant has been classified as Pathogenic.

Literature cited by the submitters: PubMed 16770791; PubMed 25007885; PubMed 9007319; PubMed 9028449; PubMed 18683213; PubMed 18752307; PubMed 19449031; PubMed 22090376; PubMed 25244321; PubMed 26911353.